The following is an entry in ClinVar:

ClinVar aggregate classification (germline): Uncertain significance. Review status: criteria provided, multiple submitters, no conflicts (2 of 4 stars). 2 submissions from 2 submitters: Uncertain significance (2). Last evaluated 2024-10-07.

Conditions:
RASopathy. Also called: rasopathies; Noonan spectrum disorder. Identifiers: Orphanet 536391, MedGen C5555857, MONDO:0021060.

Submissions (2):

Labcorp Genetics (formerly Invitae), Labcorp
Classification: Uncertain significance for RASopathy. Last evaluated: 2024-10-07. Review status: criteria provided, single submitter. Criteria: Invitae Variant Classification Sherloc (09022015). Collection method: clinical testing. Allele origin: germline.
Comment: This sequence change replaces isoleucine, which is neutral and non-polar, with threonine, which is neutral and polar, at codon 1122 of the SOS1 protein (p.Ile1122Thr). This variant is not present in population databases (gnomAD no frequency). This variant has not been reported in the literature in individuals affected with SOS1-related conditions. Invitae Evidence Modeling of protein sequence and biophysical properties (such as structural, functional, and spatial information, amino acid conservation, physicochemical variation, residue mobility, and thermodynamic stability) indicates that this missense variant is not expected to disrupt SOS1 protein function with a negative predictive value of 95%. In summary, the available evidence is currently insufficient to determine the role of this variant in disease. Therefore, it has been classified as a Variant of Uncertain Significance.

Women's Health and Genetics/Laboratory Corporation of America, LabCorp
Classification: Uncertain significance. Last evaluated: 2024-07-02. Review status: criteria provided, single submitter. Criteria: LabCorp Variant Classification Summary - May 2015. Collection method: clinical testing. Allele origin: germline.
Comment: Variant summary: SOS1 c.3365T>C (p.Ile1122Thr) results in a non-conservative amino acid change in the encoded protein sequence. Four of five in-silico tools predict a benign effect of the variant on protein function. The variant was absent in 250464 control chromosomes. The available data on variant occurrences in the general population are insufficient to allow any conclusion about variant significance. To our knowledge, no occurrence of c.3365T>C in individuals affected with Noonan Syndrome And Related Conditions and no experimental evidence demonstrating its impact on protein function have been reported. No submitters have cited clinical-significance assessments for this variant to ClinVar. Based on the evidence outlined above, the variant was classified as uncertain significance.

NM_005633.4(SOS1):c.3365T>C (p.Ile1122Thr)

Gene: SOS1 (SOS Ras/Rac guanine nucleotide exchange factor 1; minus strand). Cytogenetic location: 2p22.1.
Variant type: single nucleotide variant.
Coding change: c.3365T>C on transcript NM_005633.4 (MANE Select); coding-DNA position 3365, T replaced by C.
Protein change: p.Ile1122Thr; replaces isoleucine 1122 with threonine.
Molecular consequence: missense variant. On other transcripts: intron variant (1).
Genome position (GRCh38, 1-based): chr2:38,989,296, A>G on the plus strand (T>C on the coding strand, the complement: SOS1 is on the minus strand). VCF-style: chr2-38989296-A-G. GRCh37 (hg19) VCF-style: chr2-39216437-A-G.
Other names: c.3344T>C, p.Ile1115Thr (NM_001382394.1); c.3347-1705T>C (NM_001382395.1); short protein forms I1115T, I1122T.
Identifiers: ClinVar variation 3339199 (VCV003339199.3).
Genomic context (GRCh38, chr2:38,989,296, plus strand): 5'-CAAGAATTATGAGTCTTAAACCAAATATACTAACTTGGGCCATGGGGCAGAGTAACTTGG[A>G]TAAAGACGGTATCATTGCCTGTGAAAGGAAACAAGAAAAAGTAGATTTTTTTCTTTCATT-3'
Protein context (NP_005624.2, residues 1112-1132): PFHSSNDTVF[Ile1122Thr]QVTLPHGPRS